The following is an entry in ClinVar:

NM_000260.4(MYO7A):c.6307C>G (p.Leu2103Val)

Gene: MYO7A (myosin VIIA; plus strand). Cytogenetic location: 11q13.5.
Variant type: single nucleotide variant.
Coding change: c.6307C>G on transcript NM_000260.4 (MANE Select); coding-DNA position 6307, C replaced by G.
Protein change: p.Leu2103Val; replaces leucine 2103 with valine.
Molecular consequence: missense variant.
Genome position (GRCh38, 1-based): chr11:77,211,890, C>G. VCF-style: chr11-77211890-C-G. GRCh37 (hg19) VCF-style: chr11-76922935-C-G.
Other names: c.6193C>G, p.Leu2065Val (NM_001127180.2); c.6160C>G, p.Leu2054Val (NM_001369365.1); short protein forms L2054V, L2065V, L2103V.
Identifiers: ClinVar variation 1716392 (VCV001716392.5), dbSNP rs1388758037, ClinGen allele CA381936577.

ClinVar aggregate classification (germline): Uncertain significance (1 of 4 stars; one submission).

Submission:

Labcorp Genetics (formerly Invitae), Labcorp
Classification: Uncertain significance. Last evaluated: 2022-08-13. Review status: criteria provided, single submitter. Criteria: Invitae Variant Classification Sherloc (09022015). Collection method: clinical testing. Allele origin: germline.
Comment: This variant has not been reported in the literature in individuals affected with MYO7A-related conditions. In summary, the available evidence is currently insufficient to determine the role of this variant in disease. Therefore, it has been classified as a Variant of Uncertain Significance. Advanced modeling of protein sequence and biophysical properties (such as structural, functional, and spatial information, amino acid conservation, physicochemical variation, residue mobility, and thermodynamic stability) performed at Invitae indicates that this missense variant is not expected to disrupt MYO7A protein function. This variant is not present in population databases (gnomAD no frequency). This sequence change replaces leucine, which is neutral and non-polar, with valine, which is neutral and non-polar, at codon 2103 of the MYO7A protein (p.Leu2103Val).